The following is an entry in ClinVar:

ClinVar aggregate classification (germline): Likely benign. Review status: criteria provided, multiple submitters, no conflicts (2 of 4 stars). 2 submissions from 2 submitters: Likely benign (2). Last evaluated 2017-04-27.

Conditions:
Left-right axis malformations. Identifiers: MedGen C1866091.

Allele frequency attached by ClinVar (database versions not stated): gnomAD exomes 0.00102; gnomAD 0.00687 and 0.00740; 1000 Genomes Project 0.00739; 1000 Genomes Project 30x 0.00750; TOPMed 0.00813.
gnomAD v4.1: 1,419 of 496,126 alleles (0.29%); highest among the groups gnomAD compares: African/African-American, 2.3%; 20 homozygotes.

Submissions (2):

Illumina Laboratory Services, Illumina
Classification: Likely benign for Left-right axis malformations. Last evaluated: 2017-04-27. Review status: criteria provided, single submitter. Criteria: ICSL Variant Classification Criteria 13 December 2019. Collection method: clinical testing. Allele origin: germline.
Comment: This variant was observed as part of a predisposition screen in an ostensibly healthy population. A literature search was performed for the gene, cDNA change, and amino acid change (where applicable). No publications were found based on this search. Allele frequency data from public databases allowed determination this variant is unlikely to cause disease. Therefore, this variant is classified as likely benign.

Breakthrough Genomics
Classification: Likely benign. Review status: criteria provided, single submitter. Criteria: ACMG Guidelines, 2015. Collection method: not provided. Allele origin: germline. Inheritance: Unknown mechanism. Affected: yes.

NM_003240.5(LEFTY2):c.*317C>G

Gene: LEFTY2 (left-right determination factor 2; minus strand). Cytogenetic location: 1q42.12.
Variant type: single nucleotide variant.
Coding change: c.*317C>G on transcript NM_003240.5 (MANE Select); 317 bases downstream of the stop codon, C replaced by G.
Molecular consequence: 3 prime UTR variant.
Genome position (GRCh38, 1-based): chr1:225,937,124, G>C on the plus strand (C>G on the coding strand, the complement: LEFTY2 is on the minus strand). VCF-style: chr1-225937124-G-C. GRCh37 (hg19) VCF-style: chr1-226124824-G-C.
Other names: c.*317C>G (NM_001172425.3).
Identifiers: ClinVar variation 295963 (VCV000295963.6), dbSNP rs114492272, ClinGen allele CA10610236.